The following is an entry in ClinVar:

NM_144573.4(NEXN):c.838G>A (p.Ala280Thr)

Gene: NEXN (nexilin F-actin binding protein; plus strand). Cytogenetic location: 1p31.1.
Variant type: single nucleotide variant.
Coding change: c.838G>A on transcript NM_144573.4 (MANE Select); coding-DNA position 838, G replaced by A.
Protein change: p.Ala280Thr; replaces alanine 280 with threonine.
Molecular consequence: missense variant.
Genome position (GRCh38, 1-based): chr1:77,926,866, G>A. VCF-style: chr1-77926866-G-A. GRCh37 (hg19) VCF-style: chr1-78392551-G-A.
Other names: c.646G>A, p.Ala216Thr (NM_001172309.2); short protein forms A280T, A216T.
Identifiers: ClinVar variation 3919105 (VCV003919105.1).
Genomic context (GRCh38, chr1:77,926,866, plus strand): 5'-GAAAACCGAAAGAAGCAAGCTGAAGAGGAAGCAAGAAAACGTTTAGAAGAAGAGAAGCGT[G>A]CTTTTGAAGAAGCAAGGCGGCAAATGGTAAATCTACATATTTAAACCTTACAATTAATAT-3'
Protein context (NP_653174.3, residues 270-290): ARKRLEEEKR[Ala280Thr]FEEARRQMVN

ClinVar aggregate classification (germline): Uncertain significance (1 of 4 stars; one submission).

Conditions:
Cardiovascular phenotype. Identifiers: MedGen CN230736.

Submission:

Ambry Genetics
Classification: Uncertain significance for Cardiovascular phenotype. Last evaluated: 2025-05-15. Review status: criteria provided, single submitter. Criteria: Ambry Variant Classification Scheme 2023. Collection method: clinical testing. Allele origin: germline.
Comment: The p.A280T variant (also known as c.838G>A), located in coding exon 7 of the NEXN gene, results from a G to A substitution at nucleotide position 838. The alanine at codon 280 is replaced by threonine, an amino acid with similar properties. This amino acid position is conserved. In addition, this alteration is predicted to be tolerated by in silico analysis. Based on the available evidence, the clinical significance of this variant remains unclear.